The following is an entry in ClinVar:

ClinVar aggregate classification (germline): Uncertain significance (1 of 4 stars; one submission).

Conditions:
Hyper-IgE recurrent infection syndrome 1, autosomal dominant. Also called: STAT3 Hyper IgE Syndrome; Hyper-IgE recurrent infection syndrome 1; JOB SYNDROME; Job's Syndrome; HYPER-IgE SYNDROME 1, AUTOSOMAL DOMINANT, WITH RECURRENT INFECTIONS. Identifiers: Orphanet 2314, MedGen C2936739, MONDO:0007818, OMIM 147060.
STAT3 gain of function. Identifiers: MedGen C4288261.

Submission:

Labcorp Genetics (formerly Invitae), Labcorp
Classification: Uncertain significance for STAT3 gain of function; Hyper-IgE recurrent infection syndrome 1, autosomal dominant. Last evaluated: 2024-11-14. Review status: criteria provided, single submitter. Criteria: Invitae Variant Classification Sherloc (09022015). Collection method: clinical testing. Allele origin: germline.
Comment: This sequence change replaces alanine, which is neutral and non-polar, with proline, which is neutral and non-polar, at codon 505 of the STAT3 protein (p.Ala505Pro). This variant is not present in population databases (gnomAD no frequency). This variant has not been reported in the literature in individuals affected with STAT3-related conditions. Invitae Evidence Modeling of protein sequence and biophysical properties (such as structural, functional, and spatial information, amino acid conservation, physicochemical variation, residue mobility, and thermodynamic stability) indicates that this missense variant is not expected to disrupt STAT3 protein function with a negative predictive value of 80%. In summary, the available evidence is currently insufficient to determine the role of this variant in disease. Therefore, it has been classified as a Variant of Uncertain Significance.

NM_139276.3(STAT3):c.1513G>C (p.Ala505Pro)

Gene: STAT3 (signal transducer and activator of transcription 3; minus strand). Cytogenetic location: 17q21.2.
Variant type: single nucleotide variant.
Coding change: c.1513G>C on transcript NM_139276.3 (MANE Select); coding-DNA position 1513, G replaced by C.
Protein change: p.Ala505Pro; replaces alanine 505 with proline.
Molecular consequence: missense variant.
Genome position (GRCh38, 1-based): chr17:42,324,798, C>G on the plus strand (G>C on the coding strand, the complement: STAT3 is on the minus strand). VCF-style: chr17-42324798-C-G. GRCh37 (hg19) VCF-style: chr17-40476816-C-G.
Other names: c.1513G>C, p.Ala505Pro (NM_001384993.1, NM_003150.4, NM_213662.2 and 10 more transcripts); c.1429G>C, p.Ala477Pro (NM_001384984.1); c.1435G>C, p.Ala479Pro (NM_001384985.1); c.1528G>C, p.Ala510Pro (NM_001384986.1, NM_001384990.1); c.1492G>C, p.Ala498Pro (NM_001384987.1); c.1417G>C, p.Ala473Pro (NM_001384989.1); c.1453G>C, p.Ala485Pro (NM_001384992.1); short protein forms A473P, A477P, A479P, A485P, A498P, A505P, A510P.
Identifiers: ClinVar variation 3758713 (VCV003758713.2).
Genomic context (GRCh38, chr17:42,324,798, plus strand): 5'-GCTGCTCGATGCTCAGTCCTCGCTTGGTGGTGGAGGAGAACTGCCAGCTCAGGACCTCGG[C>G]CACTTGATCCCAGGTTCCAATTGGGGGCTTGGTAAAAAAGTTTACATTCTATTGGAAAGA-3'
Protein context (NP_644805.1, residues 495-515): KPPIGTWDQV[Ala505Pro]EVLSWQFSST